The following is an entry in ClinVar:

NM_032043.3(BRIP1):c.2839_2840del (p.Gln947fs)

Gene: BRIP1 (BRCA1 interacting DNA helicase 1; minus strand). Cytogenetic location: 17q23.2.
Variant type: Deletion.
Coding change: c.2839_2840del on transcript NM_032043.3 (MANE Select); coding-DNA positions 2839 to 2840, 2 bases deleted (CA; older notation c.2839_2840delCA).
Protein change: p.Gln947fs; shifts the reading frame from glutamine 947.
Molecular consequence: frameshift variant.
Genome position (GRCh38, 1-based): chr17:61,685,901-61,685,902, TG deleted on the plus strand (CA on the coding strand, the reverse complement: BRIP1 is on the minus strand); deleting any 2 consecutive bases within chr17:61,685,901-61,685,903 gives the same sequence; the c. name uses the placement nearest the transcript's 3' end. VCF-style (leftmost placement, unchanged base first): chr17-61685900-CTG-C. GRCh37 (hg19) VCF-style: chr17-59763261-CTG-C.
Other names: short protein forms Q947fs.
Identifiers: ClinVar variation 1713218 (VCV001713218.4), dbSNP rs2544570367, ClinGen allele CA2580094587.

ClinVar aggregate classification (germline): Pathogenic. Review status: criteria provided, single submitter (1 of 4 stars). 2 submissions from 2 submitters: Pathogenic (1). 1 of the submissions does not count toward it. Last evaluated 2025-03-26.

Conditions:
Familial cancer of breast. Also called: BREAST CANCER, FAMILIAL; Hereditary breast cancer; hereditary breast carcinoma. Identifiers: Orphanet 227535, MedGen C0346153, MONDO:0016419, OMIM 114480. Disease mechanism: loss of function.
Fanconi anemia complementation group J. Also called: BRIP1-Related Fanconi Anemia. Identifiers: Orphanet 84, MedGen C1836860, MONDO:0012187, OMIM 609054.
Ovarian cancer. Also called: OVARIAN CANCER, SOMATIC. Identifiers: Orphanet 213500, MedGen C1140680, MONDO:0008170, OMIM 167000.

Submissions (2):

Labcorp Genetics (formerly Invitae), Labcorp
Classification: Pathogenic for Familial cancer of breast; Fanconi anemia complementation group J. Last evaluated: 2025-03-26. Review status: criteria provided, single submitter. Criteria: Invitae Variant Classification Sherloc (09022015). Collection method: clinical testing. Allele origin: germline.
Comment: This sequence change creates a premature translational stop signal (p.Gln947Valfs*3) in the BRIP1 gene. It is expected to result in an absent or disrupted protein product. Loss-of-function variants in BRIP1 are known to be pathogenic (PMID: 16116423, 17033622, 21964575). This variant is not present in population databases (gnomAD no frequency). This variant has not been reported in the literature in individuals affected with BRIP1-related conditions. ClinVar contains an entry for this variant (Variation ID: 1713218). Algorithms developed to predict the effect of sequence changes on RNA splicing suggest that this variant may disrupt the consensus splice site. For these reasons, this variant has been classified as Pathogenic.

BRCAlab, Lund University
Classification: Pathogenic for Ovarian cancer. Last evaluated: 2022-08-26. Review status: no assertion criteria provided. Collection method: clinical testing. Allele origin: germline. Affected: yes. Not counted in ClinVar's aggregate classification.

Literature cited by the submitters: PubMed 16116423 (cited by Labcorp Genetics (formerly Invitae), Labcorp); PubMed 17033622 (cited by Labcorp Genetics (formerly Invitae), Labcorp); PubMed 21964575 (cited by Labcorp Genetics (formerly Invitae), Labcorp).